The following is an entry in ClinVar:

ClinVar aggregate classification (germline): Likely benign. Review status: criteria provided, multiple submitters, no conflicts (2 of 4 stars). 2 submissions from 2 submitters: Likely benign (2). Last evaluated 2024-09-20.

Allele frequency attached by ClinVar (database versions not stated): ESP Exome Variant Server 0.00078; 1000 Genomes Project 30x 0.00094; 1000 Genomes Project 0.00120.
gnomAD v4.1: 858 of 1,579,030 alleles (0.054%); highest among the groups gnomAD compares: Middle Eastern, 0.22%; 1 homozygote.

Submissions (2):

Blueprint Genetics
Classification: Likely benign. Last evaluated: 2024-09-20. Review status: criteria provided, single submitter. Criteria: ACMG Guidelines, 2015. Collection method: clinical testing. Allele origin: germline.

Women's Health and Genetics/Laboratory Corporation of America, LabCorp
Classification: Likely benign. Last evaluated: 2023-08-11. Review status: criteria provided, single submitter. Criteria: LabCorp Variant Classification Summary - May 2015. Collection method: clinical testing. Allele origin: germline.
Comment: Variant summary: LRDD c.2475-19G>A alters a non-conserved nucleotide located at a position not widely known to affect splicing. 4/4 computational tools predict no significant impact on normal splicing. However, these predictions have yet to be confirmed by functional studies. The variant allele was found at a frequency of 0.00053 in 246098 control chromosomes. To our knowledge, no occurrence of c.2475-19G>A in individuals affected with Intellectual Developmental Disorder, Autosomal Recessive 75, With Neuropsychiatric Features And Variant Lissencephaly and no experimental evidence demonstrating its impact on protein function have been reported. No submitters have cited clinical-significance assessments for this variant to ClinVar after 2014. Based on the evidence outlined above, the variant was classified as likely benign.

NM_145886.4(PIDD1):c.2475-19G>A

Gene: PIDD1 (p53-induced death domain protein 1; minus strand). Cytogenetic location: 11p15.5.
Variant type: single nucleotide variant.
Coding change: c.2475-19G>A on transcript NM_145886.4 (MANE Select); 19 bases into the intron before coding-DNA position 2475, G replaced by A.
Molecular consequence: intron variant.
Genome position (GRCh38, 1-based): chr11:799,584, C>T on the plus strand (G>A on the coding strand, the complement: PIDD1 is on the minus strand). VCF-style: chr11-799584-C-T. GRCh37 (hg19) VCF-style: chr11-799584-C-T.
Other names: c.2424-19G>A (NM_145887.4).
Identifiers: ClinVar variation 2581676 (VCV002581676.2), dbSNP rs150597726, ClinGen allele CA5789528.